The following is an entry in ClinVar:

NM_000531.6(OTC):c.929A>T (p.Glu310Val)

Gene: OTC (ornithine transcarbamylase; plus strand). Cytogenetic location: Xp11.4.
Variant type: single nucleotide variant.
Coding change: c.929A>T on transcript NM_000531.6 (MANE Select); coding-DNA position 929, A replaced by T.
Protein change: p.Glu310Val; replaces glutamic acid 310 with valine.
Molecular consequence: missense variant.
Genome position (GRCh38, 1-based): chrX:38,411,923, A>T. VCF-style: chrX-38411923-A-T. GRCh37 (hg19) VCF-style: chrX-38271176-A-T.
Other names: c.929A>T, p.Glu310Val (NM_001407092.1); short protein forms E310V.
Identifiers: ClinVar variation 2036350 (VCV002036350.4), dbSNP rs72558467, ClinGen allele CA412726167.

ClinVar aggregate classification (germline): Pathogenic (1 of 4 stars; one submission).

Conditions:
Ornithine carbamoyltransferase deficiency (OTCD). Also called: OTC DEFICIENCY; Ornithine Carbamoyltransferase Deficiency Disease; ORNITHINE TRANSCARBAMYLASE DEFICIENCY; ORNITHINE TRANSCARBAMYLASE DEFICIENCY, HYPERAMMONEMIA DUE TO. Identifiers: Orphanet 664, MedGen C0268542, MONDO:0010703, OMIM 311250.

Submission:

Labcorp Genetics (formerly Invitae), Labcorp
Classification: Pathogenic for Ornithine carbamoyltransferase deficiency. Last evaluated: 2023-04-24. Review status: criteria provided, single submitter. Criteria: Invitae Variant Classification Sherloc (09022015). Collection method: clinical testing. Allele origin: germline.
Comment: This variant disrupts the p.Glu310 amino acid residue in OTC. Other variant(s) that disrupt this residue have been observed in individuals with OTC-related conditions (PMID: 16786505, 28266016, 30626930; Invitae), which suggests that this may be a clinically significant amino acid residue. Algorithms developed to predict the effect of sequence changes on RNA splicing suggest that this variant may disrupt the consensus splice site. Advanced modeling of protein sequence and biophysical properties (such as structural, functional, and spatial information, amino acid conservation, physicochemical variation, residue mobility, and thermodynamic stability) performed at Invitae indicates that this missense variant is expected to disrupt OTC protein function. ClinVar contains an entry for this variant (Variation ID: 2036350). This missense change has been observed in individual(s) with clinical features of ornithine transcarbamylase deficiency (Invitae). This variant is not present in population databases (gnomAD no frequency). This sequence change replaces glutamic acid, which is acidic and polar, with valine, which is neutral and non-polar, at codon 310 of the OTC protein (p.Glu310Val). For these reasons, this variant has been classified as Pathogenic.

Literature cited by the submitters: PubMed 16786505; PubMed 28266016; PubMed 30626930.